The following is an entry in ClinVar:

NM_007118.4(TRIO):c.1054-6C>T

Gene: TRIO (trio Rho guanine nucleotide exchange factor; plus strand). Cytogenetic location: 5p15.2.
Variant type: single nucleotide variant.
Coding change: c.1054-6C>T on transcript NM_007118.4 (MANE Select); 6 bases into the intron before coding-DNA position 1054, C replaced by T.
Molecular consequence: intron variant.
Genome position (GRCh38, 1-based): chr5:14,293,006, C>T. VCF-style: chr5-14293006-C-T. GRCh37 (hg19) VCF-style: chr5-14293115-C-T.
Identifiers: ClinVar variation 3182853 (VCV003182853.1), dbSNP rs377259294, ClinGen allele CA3205552.

ClinVar aggregate classification (germline): Uncertain significance (1 of 4 stars; one submission).

Conditions:
Inborn genetic diseases. Identifiers: MedGen C0950123, MeSH D030342.

Allele frequency attached by ClinVar (database versions not stated): gnomAD 0.00001; gnomAD exomes 0.00001; ExAC 0.00002; TOPMed 0.00002; ESP Exome Variant Server 0.00008; 1000 Genomes Project 30x 0.00016; 1000 Genomes Project 0.00020.
gnomAD v4.1: 18 of 1,613,942 alleles (0.0011%); highest among the groups gnomAD compares: Middle Eastern, 0.016%; no homozygotes.

Submission:

Ambry Genetics
Classification: Uncertain significance for Inborn genetic diseases. Last evaluated: 2023-11-09. Review status: criteria provided, single submitter. Criteria: Ambry Variant Classification Scheme 2023. Collection method: clinical testing. Allele origin: germline.
Comment: The c.1054-6C>T intronic alteration consists of a C to T substitution 6 nucleotides before exon 6 (coding exon 6) of the TRIO gene. Based on insufficient or conflicting evidence, the clinical significance of this alteration remains unclear.